The following is an entry in ClinVar:

NM_177438.3(DICER1):c.1536G>T (p.Glu512Asp)

Gene: DICER1 (dicer 1, ribonuclease III; minus strand). Cytogenetic location: 14q32.13.
Variant type: single nucleotide variant.
Coding change: c.1536G>T on transcript NM_177438.3 (MANE Select); coding-DNA position 1536, G replaced by T.
Protein change: p.Glu512Asp; replaces glutamic acid 512 with aspartic acid.
Molecular consequence: missense variant. On other transcripts: non-coding transcript variant (6), intron variant (1).
Genome position (GRCh38, 1-based): chr14:95,116,669, C>A on the plus strand (G>T on the coding strand, the complement: DICER1 is on the minus strand). VCF-style: chr14-95116669-C-A. GRCh37 (hg19) VCF-style: chr14-95583006-C-A.
Other names: c.1536G>T, p.Glu512Asp (NM_001195573.1, NM_001271282.3, NM_001291628.2 and 13 more transcripts); c.1254G>T, p.Glu418Asp (NM_001395686.1); c.1131G>T, p.Glu377Asp (NM_001395687.1, NM_001395688.1, NM_001395689.1 and 3 more transcripts); c.969G>T, p.Glu323Asp (NM_001395691.1); c.-59-89G>T (NM_001395697.1); short protein forms E323D, E377D, E418D, E512D.
Identifiers: ClinVar variation 2566217 (VCV002566217.2), dbSNP rs1375042165, ClinGen allele CA390885156.
Genomic context (GRCh38, chr14:95,116,669, plus strand): 5'-GTTGCATTTTGGTATATCAACACCCTCTTCTACAATACTTGTTGCAATAAGCAGGTTGGT[C>A]TCATGTGCTCGAAATTTCCTAAGTACCTGAAAAAAAAAATCCACCAAGAAAAGCACTTCT-3'
Protein context (NP_803187.1, residues 502-522): EEVLRKFRAH[Glu512Asp]TNLLIATSIV

ClinVar aggregate classification (germline): Uncertain significance (1 of 4 stars; one submission).

Conditions:
Hereditary cancer-predisposing syndrome. Also called: Neoplastic Syndromes, Hereditary; Hereditary Cancer Syndrome; Hereditary neoplastic syndrome; Tumor predisposition. Identifiers: Orphanet 140162, MedGen C0027672, MeSH D009386, MONDO:0015356.

Submission:

Ambry Genetics
Classification: Uncertain significance for Hereditary cancer-predisposing syndrome. Last evaluated: 2023-05-26. Review status: criteria provided, single submitter. Criteria: Ambry Variant Classification Scheme 2023. Collection method: clinical testing. Allele origin: germline.
Comment: The p.E512D variant (also known as c.1536G>T), located in coding exon 9 of the DICER1 gene, results from a G to T substitution at nucleotide position 1536. The glutamic acid at codon 512 is replaced by aspartic acid, an amino acid with highly similar properties. This amino acid position is conserved. In addition, the in silico prediction for this alteration is inconclusive. Since supporting evidence is limited at this time, the clinical significance of this alteration remains unclear.